The following is an entry in ClinVar:

NM_006231.4(POLE):c.5281A>T (p.Ile1761Phe)

Gene: POLE (DNA polymerase epsilon, catalytic subunit; minus strand). Cytogenetic location: 12q24.33.
Variant type: single nucleotide variant.
Coding change: c.5281A>T on transcript NM_006231.4 (MANE Select); coding-DNA position 5281, A replaced by T.
Protein change: p.Ile1761Phe; replaces isoleucine 1761 with phenylalanine.
Molecular consequence: missense variant.
Genome position (GRCh38, 1-based): chr12:132,641,744, T>A on the plus strand (A>T on the coding strand, the complement: POLE is on the minus strand). VCF-style: chr12-132641744-T-A. GRCh37 (hg19) VCF-style: chr12-133218330-T-A.
Other names: short protein forms I1761F.
Identifiers: ClinVar variation 2755716 (VCV002755716.3), dbSNP rs2541880842, ClinGen allele CA387376171.

ClinVar aggregate classification (germline): Uncertain significance (1 of 4 stars; one submission).

Submission:

Labcorp Genetics (formerly Invitae), Labcorp
Classification: Uncertain significance. Last evaluated: 2023-08-27. Review status: criteria provided, single submitter. Criteria: Invitae Variant Classification Sherloc (09022015). Collection method: clinical testing. Allele origin: germline.
Comment: In summary, the available evidence is currently insufficient to determine the role of this variant in disease. Therefore, it has been classified as a Variant of Uncertain Significance. Advanced modeling of protein sequence and biophysical properties (such as structural, functional, and spatial information, amino acid conservation, physicochemical variation, residue mobility, and thermodynamic stability) performed at Invitae indicates that this missense variant is not expected to disrupt POLE protein function. This variant has not been reported in the literature in individuals affected with POLE-related conditions. This variant is not present in population databases (gnomAD no frequency). This sequence change replaces isoleucine, which is neutral and non-polar, with phenylalanine, which is neutral and non-polar, at codon 1761 of the POLE protein (p.Ile1761Phe).